The following is an entry in ClinVar:

NM_012120.3(CD2AP):c.1814+4A>G

Gene: CD2AP (CD2 associated protein; plus strand). Cytogenetic location: 6p12.3.
Variant type: single nucleotide variant.
Coding change: c.1814+4A>G on transcript NM_012120.3 (MANE Select); 4 bases into the intron after coding-DNA position 1814, A replaced by G.
Molecular consequence: intron variant.
Genome position (GRCh38, 1-based): chr6:47,609,308, A>G. VCF-style: chr6-47609308-A-G. GRCh37 (hg19) VCF-style: chr6-47577044-A-G.
Identifiers: ClinVar variation 1981980 (VCV001981980.4), dbSNP rs755252225, ClinGen allele CA3844461.

ClinVar aggregate classification (germline): Uncertain significance (1 of 4 stars; one submission).

Allele frequency attached by ClinVar (database versions not stated): gnomAD exomes below 0.00001; ExAC 0.00001; gnomAD 0.00001; TOPMed 0.00001.
gnomAD v4.1: 8 of 1,609,596 alleles (0.0005%); highest among the groups gnomAD compares: Non-Finnish European, 0.0006%; no homozygotes.

Submission:

Labcorp Genetics (formerly Invitae), Labcorp
Classification: Uncertain significance. Last evaluated: 2022-03-08. Review status: criteria provided, single submitter. Criteria: Invitae Variant Classification Sherloc (09022015). Collection method: clinical testing. Allele origin: germline.
Comment: This variant has not been reported in the literature in individuals affected with CD2AP-related conditions. In summary, the available evidence is currently insufficient to determine the role of this variant in disease. Therefore, it has been classified as a Variant of Uncertain Significance. Variants that disrupt the consensus splice site are a relatively common cause of aberrant splicing (PMID: 17576681, 9536098). Algorithms developed to predict the effect of sequence changes on RNA splicing suggest that this variant is not likely to affect RNA splicing. This variant is present in population databases (rs755252225, gnomAD 0.0009%). This sequence change falls in intron 16 of the CD2AP gene. It does not directly change the encoded amino acid sequence of the CD2AP protein. It affects a nucleotide within the consensus splice site.

Literature cited by the submitters: PubMed 17576681; PubMed 9536098.